The following is an entry in ClinVar:

NM_206933.4(USH2A):c.7105T>G (p.Phe2369Val)

Gene: USH2A (usherin; minus strand). Cytogenetic location: 1q41.
Variant type: single nucleotide variant.
Coding change: c.7105T>G on transcript NM_206933.4 (MANE Select); coding-DNA position 7105, T replaced by G.
Protein change: p.Phe2369Val; replaces phenylalanine 2369 with valine.
Molecular consequence: missense variant.
Genome position (GRCh38, 1-based): chr1:215,965,332, A>C on the plus strand (T>G on the coding strand, the complement: USH2A is on the minus strand). VCF-style: chr1-215965332-A-C. GRCh37 (hg19) VCF-style: chr1-216138674-A-C.
Other names: short protein forms F2369V.
Identifiers: ClinVar variation 1697080 (VCV001697080.6), dbSNP rs1475753019, ClinGen allele CA344851824.

ClinVar aggregate classification (germline): Uncertain significance. Review status: criteria provided, multiple submitters, no conflicts (2 of 4 stars). 5 submissions from 4 submitters: Uncertain significance (5). Last evaluated 2025-06-10.

Conditions:
Inborn genetic diseases. Identifiers: MedGen C0950123, MeSH D030342.
Usher syndrome type 2A. Also called: USHER SYNDROME, TYPE IIA; RETINAL DISEASE IN USHER SYNDROME TYPE IIA, MODIFIER OF. Identifiers: Orphanet 231178, Orphanet 886, MedGen C1848634, MONDO:0010169, OMIM 276901.
Retinitis pigmentosa 39 (RP39). Identifiers: Orphanet 791, MedGen C3151138, MONDO:0013436, OMIM 613809.

Allele frequency attached by ClinVar (database versions not stated): gnomAD exomes below 0.00001 and 0.00001; gnomAD 0.00001; TOPMed 0.00001.
gnomAD v4.1: 7 of 1,613,628 alleles (0.00043%); highest among the groups gnomAD compares: Admixed American, 0.005%; no homozygotes.

Submissions (5):

Ambry Genetics
Classification: Uncertain significance for Inborn genetic diseases. Last evaluated: 2025-06-10. Review status: criteria provided, single submitter. Criteria: Ambry Variant Classification Scheme 2023. Collection method: clinical testing. Allele origin: germline.

Genome-Nilou Lab
Classification: Uncertain significance for Retinitis pigmentosa 39. Last evaluated: 2023-11-04. Review status: criteria provided, single submitter. Criteria: ACMG Guidelines, 2015. Collection method: clinical testing. Allele origin: germline. Affected: no.

Genome-Nilou Lab
Classification: Uncertain significance for Usher syndrome type 2A. Last evaluated: 2023-11-04. Review status: criteria provided, single submitter. Criteria: ACMG Guidelines, 2015. Collection method: clinical testing. Allele origin: germline. Affected: no.

Labcorp Genetics (formerly Invitae), Labcorp
Classification: Uncertain significance. Last evaluated: 2022-07-12. Review status: criteria provided, single submitter. Criteria: Invitae Variant Classification Sherloc (09022015). Collection method: clinical testing. Allele origin: germline.
Comment: This sequence change replaces phenylalanine, which is neutral and non-polar, with valine, which is neutral and non-polar, at codon 2369 of the USH2A protein (p.Phe2369Val). This variant is present in population databases (no rsID available, gnomAD 0.003%). This variant has not been reported in the literature in individuals affected with USH2A-related conditions. Algorithms developed to predict the effect of missense changes on protein structure and function are either unavailable or do not agree on the potential impact of this missense change (SIFT: "Deleterious"; PolyPhen-2: "Benign"; Align-GVGD: "Class C45"). Algorithms developed to predict the effect of sequence changes on RNA splicing suggest that this variant may create or strengthen a splice site. In summary, the available evidence is currently insufficient to determine the role of this variant in disease. Therefore, it has been classified as a Variant of Uncertain Significance.

GeneDx
Classification: Uncertain significance. Last evaluated: 2022-01-18. Review status: criteria provided, single submitter. Criteria: GeneDx Variant Classification Process June 2021. Collection method: clinical testing. Allele origin: germline. Affected: yes.
Comment: Not observed at significant frequency in large population cohorts (gnomAD); In silico analysis supports that this missense variant has a deleterious effect on protein structure/function; Has not been previously published as pathogenic or benign to our knowledge